The following is an entry in ClinVar:

NM_152443.3(RDH12):c.26C>T (p.Thr9Ile)

Genes: RDH12 (retinol dehydrogenase 12; plus strand), GPHN (gephyrin; plus strand). Cytogenetic location: 14q24.1.
Variant type: single nucleotide variant.
Coding change: c.26C>T on transcript NM_152443.3 (MANE Select); coding-DNA position 26, C replaced by T.
Protein change: p.Thr9Ile; replaces threonine 9 with isoleucine.
Molecular consequence: missense variant.
Genome position (GRCh38, 1-based): chr14:67,722,668, C>T. VCF-style: chr14-67722668-C-T. GRCh37 (hg19) VCF-style: chr14-68189385-C-T.
Other names: short protein forms T9I.
Identifiers: ClinVar variation 1989052 (VCV001989052.1), dbSNP rs1173475346, ClinGen allele CA390146263.

ClinVar aggregate classification (germline): Uncertain significance (1 of 4 stars; one submission).

Conditions:
Leber congenital amaurosis 13 (LCA13). Identifiers: MedGen C2675186, MONDO:0012990, OMIM 612712.

gnomAD v4.1: 4 of 1,613,606 alleles (0.00025%); highest among the groups gnomAD compares: Non-Finnish European, 0.00034%; no homozygotes.

Submission:

Labcorp Genetics (formerly Invitae), Labcorp
Classification: Uncertain significance for Leber congenital amaurosis 13. Last evaluated: 2022-07-20. Review status: criteria provided, single submitter. Criteria: Invitae Variant Classification Sherloc (09022015). Collection method: clinical testing. Allele origin: germline.
Comment: This sequence change replaces threonine, which is neutral and polar, with isoleucine, which is neutral and non-polar, at codon 9 of the RDH12 protein (p.Thr9Ile). This variant is not present in population databases (gnomAD no frequency). This variant has not been reported in the literature in individuals affected with RDH12-related conditions. Algorithms developed to predict the effect of missense changes on protein structure and function output the following: SIFT: "Tolerated"; PolyPhen-2: "Not Available"; Align-GVGD: "Class C0". The isoleucine amino acid residue is found in multiple mammalian species, which suggests that this missense change does not adversely affect protein function. In summary, the available evidence is currently insufficient to determine the role of this variant in disease. Therefore, it has been classified as a Variant of Uncertain Significance.